The following is an entry in ClinVar:

ClinVar aggregate classification (germline): Uncertain significance (1 of 4 stars; one submission).

Conditions:
Peroxisome biogenesis disorder, complementation group K (CGK). Identifiers: MedGen C1866257, MONDO:0800365.

Allele frequency attached by ClinVar (database versions not stated): gnomAD exomes below 0.00001.

Submission:

Labcorp Genetics (formerly Invitae), Labcorp
Classification: Uncertain significance for Peroxisome biogenesis disorder, complementation group K. Last evaluated: 2018-04-27. Review status: criteria provided, single submitter. Criteria: Invitae Variant Classification Sherloc (09022015). Collection method: clinical testing. Allele origin: germline.
Comment: In summary, the available evidence is currently insufficient to determine the role of this variant in disease. Therefore, it has been classified as a Variant of Uncertain Significance. Algorithms developed to predict the effect of missense changes on protein structure and function (SIFT, PolyPhen-2, Align-GVGD) all suggest that this variant is likely to be tolerated, but these predictions have not been confirmed by published functional studies and their clinical significance is uncertain. This variant has not been reported in the literature in individuals with PEX14-related disease. This variant is not present in population databases (ExAC no frequency). This sequence change replaces alanine with threonine at codon 83 of the PEX14 protein (p.Ala83Thr). The alanine residue is weakly conserved and there is a small physicochemical difference between alanine and threonine.

NM_004565.3(PEX14):c.247G>A (p.Ala83Thr)

Gene: PEX14 (peroxisomal biogenesis factor 14; plus strand). Cytogenetic location: 1p36.22.
Variant type: single nucleotide variant.
Coding change: c.247G>A on transcript NM_004565.3 (MANE Select); coding-DNA position 247, G replaced by A.
Protein change: p.Ala83Thr; replaces alanine 83 with threonine.
Molecular consequence: missense variant.
Genome position (GRCh38, 1-based): chr1:10,599,315, G>A. VCF-style: chr1-10599315-G-A. GRCh37 (hg19) VCF-style: chr1-10659372-G-A.
Other names: short protein forms A83T.
Identifiers: ClinVar variation 580218 (VCV000580218.8), dbSNP rs1557866347, ClinGen allele CA338690447.
Genomic context (GRCh38, chr1:10,599,315, plus strand): 5'-ATTGATATGGCCTTCCAGCAGTCGGGCACTGCTGCCGATGAGCCTTCGTCCTTGGGCCCA[G>A]CCACACAGGTGGTTCCTGTCCAGCCCCCTCACCTCATATCTCAGCCATACAGTAAGTCAC-3'
Protein context (NP_004556.1, residues 73-93): AADEPSSLGP[Ala83Thr]TQVVPVQPPH